The following is an entry in ClinVar:

NM_000256.3(MYBPC3):c.3514_3517dup (p.Lys1173delinsIleTer)

Gene: MYBPC3 (myosin binding protein C3; minus strand). Cytogenetic location: 11p11.2.
Variant type: Microsatellite.
Coding change: c.3514_3517dup on transcript NM_000256.3 (MANE Select); coding-DNA positions 3514 to 3517, 4 bases duplicated (TATA; older notation c.3514_3517dupTATA).
Protein change: p.Lys1173delinsIleTer.
Molecular consequence: nonsense.
Genome position (GRCh38, 1-based): chr11:47,332,676-47,332,679, TATA duplicated on the plus strand (TATA on the coding strand, the reverse complement: MYBPC3 is on the minus strand). VCF-style (leftmost placement, unchanged base first): chr11-47332675-T-TTATA. GRCh37 (hg19) VCF-style: chr11-47354226-T-TTATA.
Other names: c.3514_3517dupTATA (NM_000256.3).
Identifiers: ClinVar variation 418717 (VCV000418717.2), dbSNP rs1555120309, ClinGen allele CA16619332.

ClinVar aggregate classification (germline): Pathogenic (1 of 4 stars; one submission).

Submission:

GeneDx
Classification: Pathogenic. Last evaluated: 2015-03-26. Review status: criteria provided, single submitter. Criteria: GeneDx Variant Classification (06012015). Collection method: clinical testing. Allele origin: germline. Affected: yes.
Comment: Although the c.3514_3517dupTATA variant in the MYBPC3 gene has not been reported to ourknowledge, this variant causes a shift in reading frame starting at codon Lysine 1173, changing it to anIsoleucine, and creating a premature stop codon at position 2 of the new reading frame, denotedp.Lys1173IlefsX2. This duplication is expected to result in either an abnormal, truncated protein product orloss of protein from this allele through nonsense-mediated mRNA decay. Other frameshift variants in the MYBPC3 gene have been reported in HGMD in association with cardiomyopathy (Stenson P et al., 2014). In summary, c.3514_3517dupTATA in the MYBPC3 gene is interpreted as a pathogenic variant.